The following is an entry in ClinVar:

ClinVar aggregate classification (germline): Uncertain significance (1 of 4 stars; one submission).

Conditions:
Combined immunodeficiency due to LRBA deficiency. Also called: Common variable immunodeficiency 8, with autoimmunity. Identifiers: Orphanet 445018, MedGen C3553512, MONDO:0013863, OMIM 614700.

gnomAD v4.1: 4 of 1,609,654 alleles (0.00025%); highest among the groups gnomAD compares: Non-Finnish European, 0.00025%; no homozygotes.

Submission:

Labcorp Genetics (formerly Invitae), Labcorp
Classification: Uncertain significance for Combined immunodeficiency due to LRBA deficiency. Last evaluated: 2020-10-08. Review status: criteria provided, single submitter. Criteria: Invitae Variant Classification Sherloc (09022015). Collection method: clinical testing. Allele origin: germline.
Comment: This variant has not been reported in the literature in individuals with LRBA-related conditions. Algorithms developed to predict the effect of missense changes on protein structure and function are either unavailable or do not agree on the potential impact of this missense change (SIFT: "Tolerated"; PolyPhen-2: "Probably Damaging"; Align-GVGD: "Class C0"). Algorithms developed to predict the effect of sequence changes on RNA splicing suggest that this variant may create or strengthen a splice site, but this prediction has not been confirmed by published transcriptional studies. In summary, the available evidence is currently insufficient to determine the role of this variant in disease. Therefore, it has been classified as a Variant of Uncertain Significance. This variant is present in population databases (rs781028480, ExAC 0.003%). This sequence change replaces arginine with serine at codon 2646 of the LRBA protein (p.Arg2646Ser). The arginine residue is moderately conserved and there is a moderate physicochemical difference between arginine and serine.

NM_001364905.1(LRBA):c.7903C>A (p.Arg2635Ser)

Gene: LRBA (LPS responsive beige-like anchor protein; minus strand). Cytogenetic location: 4q31.3.
Variant type: single nucleotide variant.
Coding change: c.7903C>A on transcript NM_001364905.1 (MANE Select); coding-DNA position 7903, C replaced by A.
Protein change: p.Arg2635Ser; replaces arginine 2635 with serine.
Molecular consequence: missense variant.
Genome position (GRCh38, 1-based): chr4:150,302,739, G>T on the plus strand (C>A on the coding strand, the complement: LRBA is on the minus strand). VCF-style: chr4-150302739-G-T. GRCh37 (hg19) VCF-style: chr4-151223891-G-T.
Other names: c.7918C>A, p.Arg2640Ser (NM_001367550.1); c.7936C>A, p.Arg2646Ser (NM_006726.5); c.7903C>A, p.Arg2635Ser (NM_001199282.3); short protein forms R2646S, R2635S, R2640S.
Identifiers: ClinVar variation 934900 (VCV000934900.9), dbSNP rs781028480, ClinGen allele CA3101490.